The following is an entry in ClinVar:

NM_006371.5(CRTAP):c.115G>T (p.Asp39Tyr)

Gene: CRTAP (cartilage associated protein; plus strand). Cytogenetic location: 3p22.3.
Variant type: single nucleotide variant.
Coding change: c.115G>T on transcript NM_006371.5 (MANE Select); coding-DNA position 115, G replaced by T.
Protein change: p.Asp39Tyr; replaces aspartic acid 39 with tyrosine.
Molecular consequence: missense variant.
Genome position (GRCh38, 1-based): chr3:33,114,192, G>T. VCF-style: chr3-33114192-G-T. GRCh37 (hg19) VCF-style: chr3-33155684-G-T.
Other names: short protein forms D39Y.
Identifiers: ClinVar variation 1014103 (VCV001014103.2), dbSNP rs768482278, ClinGen allele CA2300200.

ClinVar aggregate classification (germline): Uncertain significance (1 of 4 stars; one submission).

Conditions:
Osteogenesis imperfecta type 7 (OI7). Also called: OSTEOGENESIS IMPERFECTA, TYPE IIB; OI type 7; OI type VII; Osteogenesis imperfecta type 2B; OI type 2B; Osteogenesis imperfecta, perinatal lethal autosomal recessive. Identifiers: MedGen C1853162, MONDO:0012536, OMIM 610682.

Allele frequency attached by ClinVar (database versions not stated): TOPMed 0.00002.
gnomAD v4.1: 9 of 1,593,458 alleles (0.00056%); highest among the groups gnomAD compares: Non-Finnish European, 0.00077%; no homozygotes.

Submission:

Labcorp Genetics (formerly Invitae), Labcorp
Classification: Uncertain significance for Osteogenesis imperfecta type 7. Last evaluated: 2022-06-23. Review status: criteria provided, single submitter. Criteria: Invitae Variant Classification Sherloc (09022015). Collection method: clinical testing. Allele origin: germline.
Comment: This sequence change replaces aspartic acid, which is acidic and polar, with tyrosine, which is neutral and polar, at codon 39 of the CRTAP protein (p.Asp39Tyr). The frequency data for this variant in the population databases is considered unreliable, as metrics indicate poor data quality at this position in the gnomAD database. This variant has not been reported in the literature in individuals affected with CRTAP-related conditions. ClinVar contains an entry for this variant (Variation ID: 1014103). Algorithms developed to predict the effect of missense changes on protein structure and function are either unavailable or do not agree on the potential impact of this missense change (SIFT: "Deleterious"; PolyPhen-2: "Possibly Damaging"; Align-GVGD: "Class C0"). Algorithms developed to predict the effect of sequence changes on RNA splicing suggest that this variant may create or strengthen a splice site. In summary, the available evidence is currently insufficient to determine the role of this variant in disease. Therefore, it has been classified as a Variant of Uncertain Significance.